The following is an entry in ClinVar:

ClinVar aggregate classification (germline): Pathogenic (1 of 4 stars; one submission).

Conditions:
Pseudohypoparathyroidism type 1C (PHP1C). Also called: PSEUDOHYPOPARATHYROIDISM, TYPE IC; PHP IC; Pseudohypoparathyroidism Ic (PHP-Ic). Identifiers: Orphanet 79444, MedGen C2932716, MONDO:0012911, OMIM 612462.
Pseudohypoparathyroidism type I A (PHP1A). Also called: ALBRIGHT HEREDITARY OSTEODYSTROPHY WITH MULTIPLE HORMONE RESISTANCE; PHP IA; Pseudohypoparathyroidism type 1A; Pseudohypoparathyroidism Type IA; Pseudohypoparathyroidism Ia (PHP-Ia). Identifiers: Orphanet 79443, MedGen C3494506, MONDO:0007078, OMIM 103580.

Submissions (2):

Department of Clinical Genetics, Aarhus University Hospital
Classification: Pathogenic for Pseudohypoparathyroidism type I A; Pseudohypoparathyroidism type 1C. Last evaluated: 2026-09-02. Review status: criteria provided, single submitter. Criteria: ACMG Guidelines, 2015. Collection method: clinical testing. Allele origin: maternal. Inheritance: Autosomal dominant inheritance. Affected: yes. Observed: 2 variant alleles.
Comment: Same variant has previously been reported in a patient with PHP1A. The variant is not present in gnomAD v4.1. The variant is located in a cannonical splice site and RNA studies confirms abnormal splicing. According to the ACMG guidelines, this variant is interpreted as pathogenic (PM2_supporting, PVS1, PS4_supportning, PM6).

Dr. Peter K. Rogan Lab, Western University
No classification provided (evidence only). Condition: Malignant tumor of urinary bladder. Review status: no classification provided. Collection method: in vitro. Allele origin: not applicable. Functional consequence: skipped exon. Not counted in ClinVar's aggregate classification.

Literature cited by the submitters: PubMed 29072892 (cited by Department of Clinical Genetics, Aarhus University Hospital); PubMed 29959430 (cited by Department of Clinical Genetics, Aarhus University Hospital); PubMed 24651309 (cited by Department of Clinical Genetics, Aarhus University Hospital).

NM_000516.7(GNAS):c.840-2A>G

Gene: GNAS (GNAS complex locus; plus strand). Cytogenetic location: 20q13.32.
Variant type: single nucleotide variant.
Coding change: c.840-2A>G on transcript NM_000516.7 (MANE Select); the canonical splice acceptor site of the intron before coding-DNA position 840, A replaced by G.
Molecular consequence: splice acceptor variant.
Genome position (GRCh38, 1-based): chr20:58,909,949, A>G. VCF-style: chr20-58909949-A-G. GRCh37 (hg19) VCF-style: chr20-57485004-A-G.
Other names: NC_000020.10:g.57485004A>G; c.*746-2A>G (NM_016592.5); c.744-2A>G (NM_001410912.1); c.663-2A>G (NM_001309861.2, NM_001439291.1, NM_001309840.2 and 1 more transcripts); c.*701-2A>G (NM_001077490.3); c.2769-2A>G (NM_080425.4); c.2724-2A>G (NM_001410913.1); c.618-2A>G (NM_001438273.1, NM_001438274.1, NM_001438275.1); and 3 more.
Identifiers: ClinVar variation 4452192 (VCV004452192.2).